The following is an entry in ClinVar:

NM_182931.3(KMT2E):c.4950C>G (p.His1650Gln)

Gene: KMT2E (lysine methyltransferase 2E (inactive); plus strand). Cytogenetic location: 7q22.3.
Variant type: single nucleotide variant.
Coding change: c.4950C>G on transcript NM_182931.3 (MANE Select); coding-DNA position 4950, C replaced by G.
Protein change: p.His1650Gln; replaces histidine 1650 with glutamine.
Molecular consequence: missense variant.
Genome position (GRCh38, 1-based): chr7:105,112,706, C>G. VCF-style: chr7-105112706-C-G. GRCh37 (hg19) VCF-style: chr7-104753153-C-G.
Other names: c.4824C>G, p.His1608Gln (NM_001410908.1); c.4950C>G, p.His1650Gln (NM_018682.4); short protein forms H1650Q, H1608Q.
Identifiers: ClinVar variation 2863428 (VCV002863428.3), dbSNP rs1367985975, ClinGen allele CA368793924.
Genomic context (GRCh38, chr7:105,112,706, plus strand): 5'-TCCACCACCACCTGCTCCAGGACCGCACCTTGTACAACAGCCGAATTCCCATCAGCAACA[C>G]TCTGTAGCACATGTAGTAGGGCCTGTTCATGCGGTCACCCCTGGGTCGCATATTCATTCT-3'
Protein context (NP_891847.1, residues 1640-1660): LVQQPNSHQQ[His1650Gln]SVAHVVGPVH

ClinVar aggregate classification (germline): Uncertain significance (1 of 4 stars; one submission).

Submission:

Labcorp Genetics (formerly Invitae), Labcorp
Classification: Uncertain significance. Last evaluated: 2023-05-27. Review status: criteria provided, single submitter. Criteria: Invitae Variant Classification Sherloc (09022015). Collection method: clinical testing. Allele origin: germline.
Comment: In summary, the available evidence is currently insufficient to determine the role of this variant in disease. Therefore, it has been classified as a Variant of Uncertain Significance. An algorithm developed to predict the effect of missense changes on protein structure and function (PolyPhen-2) suggests that this variant is likely to be tolerated. This variant has not been reported in the literature in individuals affected with KMT2E-related conditions. This variant is not present in population databases (gnomAD no frequency). This sequence change replaces histidine, which is basic and polar, with glutamine, which is neutral and polar, at codon 1650 of the KMT2E protein (p.His1650Gln).